The following is an entry in ClinVar:

NM_024675.4(PALB2):c.1685-3T>C

Gene: PALB2 (partner and localizer of BRCA2; minus strand). Cytogenetic location: 16p12.2.
Variant type: single nucleotide variant.
Coding change: c.1685-3T>C on transcript NM_024675.4 (MANE Select); 3 bases into the intron before coding-DNA position 1685, T replaced by C.
Molecular consequence: intron variant.
Genome position (GRCh38, 1-based): chr16:23,630,472, A>G on the plus strand (T>C on the coding strand, the complement: PALB2 is on the minus strand). VCF-style: chr16-23630472-A-G. GRCh37 (hg19) VCF-style: chr16-23641793-A-G.
Identifiers: ClinVar variation 530233 (VCV000530233.15), dbSNP rs1254059410, ClinGen allele CA658798577.

ClinVar aggregate classification (germline): Conflicting classifications of pathogenicity. Review status: criteria provided, conflicting classifications (1 of 4 stars). 5 submissions from 5 submitters: Uncertain significance (2); Likely benign (3). Last evaluated 2025-09-14.

Conditions:
Hereditary cancer-predisposing syndrome. Also called: Hereditary neoplastic syndrome; Neoplastic Syndromes, Hereditary; Hereditary Cancer Syndrome; Tumor predisposition. Identifiers: Orphanet 140162, MedGen C0027672, MeSH D009386, MONDO:0015356.
Familial cancer of breast. Also called: BREAST CANCER, FAMILIAL; Hereditary breast cancer; hereditary breast carcinoma. Identifiers: Orphanet 227535, MedGen C0346153, MONDO:0016419, OMIM 114480. Disease mechanism: loss of function.

Allele frequency attached by ClinVar (database versions not stated): gnomAD exomes below 0.00001; gnomAD 0.00001; TOPMed 0.00001.
gnomAD v4.1: 4 of 1,599,904 alleles (0.00025%); highest among the groups gnomAD compares: Non-Finnish European, 0.00034%; no homozygotes.

Submissions (5):

Labcorp Genetics (formerly Invitae), Labcorp
Classification: Likely benign for Familial cancer of breast. Last evaluated: 2025-09-14. Review status: criteria provided, single submitter. Criteria: Invitae Variant Classification Sherloc (09022015). Collection method: clinical testing. Allele origin: germline.

Ambry Genetics
Classification: Uncertain significance for Hereditary cancer-predisposing syndrome. Last evaluated: 2025-06-26. Review status: criteria provided, single submitter. Criteria: Ambry Variant Classification Scheme 2023. Collection method: clinical testing. Allele origin: germline.
Comment: The c.1685-3T>C intronic variant results from a T to C substitution 3 nucleotides upstream from coding exon 5 in the PALB2 gene. This nucleotide position is well conserved in available vertebrate species. In silico splice site analysis predicts that this alteration will not have any significant effect on splicing. Based on the available evidence, the clinical significance of this variant remains unclear.

Myriad Genetics, Inc.
Classification: Likely benign for Familial cancer of breast. Last evaluated: 2025-01-14. Review status: criteria provided, single submitter. Criteria: Myriad Autosomal Dominant, Autosomal Recessive and X-Linked Classification Criteria (2023). Collection method: clinical testing. Allele origin: unknown.
Comment: This variant is considered likely benign. This variant is intronic and is not expected to impact mRNA splicing.

GeneDx
Classification: Uncertain significance. Last evaluated: 2022-08-18. Review status: criteria provided, single submitter. Criteria: GeneDx Variant Classification Process June 2021. Collection method: clinical testing. Allele origin: germline. Affected: yes.
Comment: Not observed at significant frequency in large population cohorts (gnomAD); In silico analysis supports that this variant does not alter splicing; Has not been previously published as pathogenic or benign to our knowledge

Color Diagnostics, LLC DBA Color Health
Classification: Likely benign for Hereditary cancer-predisposing syndrome. Last evaluated: 2022-04-18. Review status: criteria provided, single submitter. Criteria: ACMG Guidelines, 2015. Collection method: clinical testing. Allele origin: germline.